The following is an entry in ClinVar:

ClinVar aggregate classification (germline): Uncertain significance. Review status: criteria provided, multiple submitters, no conflicts (2 of 4 stars). 2 submissions from 2 submitters: Uncertain significance (2). Last evaluated 2018-04-05.

Conditions:
Charcot-Marie-Tooth disease type 2E (CMT2E). Also called: CHARCOT-MARIE-TOOTH DISEASE, AXONAL, TYPE 2E; CHARCOT-MARIE-TOOTH NEUROPATHY, TYPE 2E. Identifiers: Orphanet 99939, MedGen C1843225, MONDO:0011894, OMIM 607684.

Submissions (2):

Labcorp Genetics (formerly Invitae), Labcorp
Classification: Uncertain significance for Charcot-Marie-Tooth disease type 2E. Last evaluated: 2018-04-05. Review status: criteria provided, single submitter. Criteria: Invitae Variant Classification Sherloc (09022015). Collection method: clinical testing. Allele origin: germline.
Comment: This sequence change replaces leucine with isoleucine at codon 97 of the NEFL protein (p.Leu97Ile). The leucine residue is highly conserved and there is a small physicochemical difference between leucine and isoleucine. This variant is not present in population databases (ExAC no frequency). In summary, the available evidence is currently insufficient to determine the role of this variant in disease. Therefore, it has been classified as a Variant of Uncertain Significance. Algorithms developed to predict the effect of missense changes on protein structure and function do not agree on the potential impact of this missense change (SIFT: "Deleterious"; Align-GVGD: "Class C0"). This variant has not been reported in the literature in individuals with NEFL-related disease.

Institute of Human Genetics, University Hospital of Duesseldorf
Classification: Uncertain significance for Charcot-Marie-Tooth disease type 2E. Review status: criteria provided, single submitter. Criteria: ACMG Guidelines, 2015. Collection method: not provided. Allele origin: germline. Inheritance: Autosomal dominant inheritance. Affected: yes.

NM_006158.5(NEFL):c.289C>A (p.Leu97Ile)

Gene: NEFL (neurofilament light chain; minus strand). Cytogenetic location: 8p21.2.
Variant type: single nucleotide variant.
Coding change: c.289C>A on transcript NM_006158.5 (MANE Select); coding-DNA position 289, C replaced by A.
Protein change: p.Leu97Ile; replaces leucine 97 with isoleucine.
Molecular consequence: missense variant.
Genome position (GRCh38, 1-based): chr8:24,956,227, G>T on the plus strand (C>A on the coding strand, the complement: NEFL is on the minus strand). VCF-style: chr8-24956227-G-T. GRCh37 (hg19) VCF-style: chr8-24813741-G-T.
Other names: short protein forms L97I.
Identifiers: ClinVar variation 575068 (VCV000575068.4), dbSNP rs587777888, ClinGen allele CA370622905.